The following is an entry in ClinVar:

NM_006361.6(HOXB13):c.115G>A (p.Ala39Thr)

Gene: HOXB13 (homeobox B13; minus strand). Cytogenetic location: 17q21.32.
Variant type: single nucleotide variant.
Coding change: c.115G>A on transcript NM_006361.6 (MANE Select); coding-DNA position 115, G replaced by A.
Protein change: p.Ala39Thr; replaces alanine 39 with threonine.
Molecular consequence: missense variant.
Genome position (GRCh38, 1-based): chr17:48,728,479, C>T on the plus strand (G>A on the coding strand, the complement: HOXB13 is on the minus strand). VCF-style: chr17-48728479-C-T. GRCh37 (hg19) VCF-style: chr17-46805841-C-T.
Other names: short protein forms A39T.
Identifiers: ClinVar variation 1022044 (VCV001022044.8), dbSNP rs760874697, ClinGen allele CA400109269.

ClinVar aggregate classification (germline): Uncertain significance (1 of 4 stars; one submission).

Submission:

Labcorp Genetics (formerly Invitae), Labcorp
Classification: Uncertain significance. Last evaluated: 2020-10-28. Review status: criteria provided, single submitter. Criteria: Invitae Variant Classification Sherloc (09022015). Collection method: clinical testing. Allele origin: germline.
Comment: In summary, the available evidence is currently insufficient to determine the role of this variant in disease. Therefore, it has been classified as a Variant of Uncertain Significance. Algorithms developed to predict the effect of missense changes on protein structure and function output the following: SIFT: "Tolerated"; PolyPhen-2: "Benign"; Align-GVGD: "Class C0". The threonine amino acid residue is found in multiple mammalian species, suggesting that this missense change does not adversely affect protein function. These predictions have not been confirmed by published functional studies and their clinical significance is uncertain. This variant has not been reported in the literature in individuals with HOXB13-related conditions. This variant is not present in population databases (ExAC no frequency). This sequence change replaces alanine with threonine at codon 39 of the HOXB13 protein (p.Ala39Thr). The alanine residue is moderately conserved and there is a small physicochemical difference between alanine and threonine.